The following is an entry in ClinVar:

NM_001298.3(CNGA3):c.216-1G>A

Gene: CNGA3 (cyclic nucleotide gated channel subunit alpha 3; plus strand). Cytogenetic location: 2q11.2.
Variant type: single nucleotide variant.
Coding change: c.216-1G>A on transcript NM_001298.3 (MANE Select); the canonical splice acceptor site of the intron before coding-DNA position 216, G replaced by A.
Molecular consequence: splice acceptor variant.
Genome position (GRCh38, 1-based): chr2:98,380,174, G>A. VCF-style: chr2-98380174-G-A. GRCh37 (hg19) VCF-style: chr2-98996637-G-A.
Other names: c.216-1G>A (NM_001079878.2).
Identifiers: ClinVar variation 1949988 (VCV001949988.6), dbSNP rs776262284, ClinGen allele CA1793662.

ClinVar aggregate classification (germline): Likely pathogenic. Review status: criteria provided, multiple submitters, no conflicts (2 of 4 stars). 2 submissions from 2 submitters: Likely pathogenic (2). Last evaluated 2022-11-01.

Conditions:
Achromatopsia 2 (ACHM2). Also called: COLORBLINDNESS, TOTAL; ROD MONOCHROMACY 2; ROD MONOCHROMATISM 2. Identifiers: Orphanet 49382, MedGen C1857618, MONDO:0009003, OMIM 216900.

Allele frequency attached by ClinVar (database versions not stated): ExAC 0.00001; gnomAD exomes 0.00001.
gnomAD v4.1: 3 of 1,614,146 alleles (0.00019%); highest among the groups gnomAD compares: Admixed American, 0.0017%; no homozygotes.

Submissions (2):

Labcorp Genetics (formerly Invitae), Labcorp
Classification: Likely pathogenic. Last evaluated: 2022-11-01. Review status: criteria provided, single submitter. Criteria: Invitae Variant Classification Sherloc (09022015). Collection method: clinical testing. Allele origin: germline.
Comment: This sequence change affects an acceptor splice site in intron 3 of the CNGA3 gene. It is expected to disrupt RNA splicing. Variants that disrupt the donor or acceptor splice site typically lead to a loss of protein function (PMID: 16199547), and loss-of-function variants in CNGA3 are known to be pathogenic (PMID: 14757870, 24903488, 25637600). This variant is present in population databases (rs776262284, gnomAD 0.003%). This variant has not been reported in the literature in individuals affected with CNGA3-related conditions. Algorithms developed to predict the effect of sequence changes on RNA splicing suggest that this variant may disrupt the consensus splice site. In summary, the currently available evidence indicates that the variant is pathogenic, but additional data are needed to prove that conclusively. Therefore, this variant has been classified as Likely Pathogenic.

Department of Pathology and Laboratory Medicine, Sinai Health System
Classification: Likely pathogenic for Achromatopsia 2. Last evaluated: 2022-04-26. Review status: criteria provided, single submitter. Criteria: ACMG Guidelines, 2015. Collection method: research. Allele origin: germline.

Literature cited by the submitters: PubMed 16199547 (cited by Labcorp Genetics (formerly Invitae), Labcorp); PubMed 14757870 (cited by Labcorp Genetics (formerly Invitae), Labcorp); PubMed 24903488 (cited by Labcorp Genetics (formerly Invitae), Labcorp); PubMed 25637600 (cited by Labcorp Genetics (formerly Invitae), Labcorp).